The following is an entry in ClinVar:

ClinVar aggregate classification (germline): Pathogenic (1 of 4 stars; one submission).

Conditions:
Bardet-Biedl syndrome (BBS). Identifiers: Orphanet 110, MedGen C0752166, MONDO:0015229.

Submission:

Labcorp Genetics (formerly Invitae), Labcorp
Classification: Pathogenic for Bardet-Biedl syndrome. Last evaluated: 2023-04-07. Review status: criteria provided, single submitter. Criteria: Invitae Variant Classification Sherloc (09022015). Collection method: clinical testing. Allele origin: unknown.
Comment: For these reasons, this variant has been classified as Pathogenic. This variant has not been reported in the literature in individuals affected with TTC8-related conditions. This variant is a gross deletion of the genomic region encompassing exon(s) 2 of the TTC8 gene, which includes the initiator codon. This deletion extends beyond the assayed region for this gene and therefore may encompass additional genes. It is expected to result in an absent or disrupted protein product. Loss-of-function variants in TTC8 are known to be pathogenic (PMID: 16308660, 16877420, 19797195, 21052717, 30886724).

Literature cited by the submitters: PubMed 16308660; PubMed 16877420; PubMed 19797195; PubMed 21052717; PubMed 30886724.

NC_000014.8:g.(?_89291052)_(89291185_?)del

Gene: TTC8 (tetratricopeptide repeat domain 8; plus strand). Cytogenetic location: 14q31.3.
Variant type: Deletion.
Identifiers: ClinVar variation 3243967 (VCV003243967.1).